The following is an entry in ClinVar:

NM_001382567.1(STIM1):c.270+2T>C

Gene: STIM1 (stromal interaction molecule 1; plus strand). Cytogenetic location: 11p15.4.
Variant type: single nucleotide variant.
Coding change: c.270+2T>C on transcript NM_001382567.1 (MANE Select); the canonical splice donor site of the intron after coding-DNA position 270, T replaced by C.
Molecular consequence: splice donor variant. On other transcripts: intron variant (4).
Genome position (GRCh38, 1-based): chr11:3,967,684, T>C. VCF-style: chr11-3967684-T-C. GRCh37 (hg19) VCF-style: chr11-3988914-T-C.
Other names: c.48+2T>C (NM_001382579.1, NM_001382577.1, NM_001382573.1 and 5 more transcripts); c.270+2T>C (NM_001382568.1, NM_001277962.2, NM_003156.4 and 3 more transcripts); c.136-56189T>C (NM_001382569.1); c.-98-56189T>C (NM_001382571.1); c.-219-56189T>C (NM_001382580.1, NM_001382581.1).
Identifiers: ClinVar variation 2020521 (VCV002020521.4), dbSNP rs2497423187, ClinGen allele CA379485138.

ClinVar aggregate classification (germline): Likely pathogenic (1 of 4 stars; one submission).

Conditions:
Combined immunodeficiency due to STIM1 deficiency. Also called: IMMUNODEFICIENCY 10; STIM1 DEFICIENCY. Identifiers: Orphanet 169090, Orphanet 317430, MedGen C2748557, MONDO:0013008, OMIM 612783.
Myopathy with tubular aggregates (TAM). Also called: Tubular Aggregate Myopathy. Identifiers: Orphanet 2593, MedGen C0410207, MONDO:0008051.
Stormorken syndrome (STRMK). Also called: THROMBOCYTOPATHY, ASPLENIA, AND MIOSIS. Identifiers: Orphanet 3204, MedGen C1861451, MONDO:0008497, OMIM 185070.

Submission:

Labcorp Genetics (formerly Invitae), Labcorp
Classification: Likely pathogenic for Myopathy with tubular aggregates; Combined immunodeficiency due to STIM1 deficiency; Stormorken syndrome. Last evaluated: 2022-07-30. Review status: criteria provided, single submitter. Criteria: Invitae Variant Classification Sherloc (09022015). Collection method: clinical testing. Allele origin: germline.
Comment: In summary, the currently available evidence indicates that the variant is pathogenic, but additional data are needed to prove that conclusively. Therefore, this variant has been classified as Likely Pathogenic. Algorithms developed to predict the effect of sequence changes on RNA splicing suggest that this variant may disrupt the consensus splice site. This variant has not been reported in the literature in individuals affected with STIM1-related conditions. This variant is not present in population databases (gnomAD no frequency). This sequence change affects a donor splice site in intron 2 of the STIM1 gene. It is expected to disrupt RNA splicing. Variants that disrupt the donor or acceptor splice site typically lead to a loss of protein function (PMID: 16199547), and loss-of-function variants in STIM1 are known to be pathogenic (PMID: 19420366, 20876309).

Literature cited by the submitters: PubMed 16199547; PubMed 19420366; PubMed 20876309.